The following is an entry in ClinVar:

NM_000203.5(IDUA):c.576del (p.Ser192_Met193insTer)

Gene: IDUA (alpha-L-iduronidase; plus strand). Cytogenetic location: 4p16.3.
Variant type: Deletion.
Coding change: c.576del on transcript NM_000203.5 (MANE Select); coding-DNA position 576, one base deleted (C; older notation c.576delC).
Protein change: p.Ser192_Met193insTer.
Molecular consequence: frameshift variant. On other transcripts: non-coding transcript variant (1).
Genome position (GRCh38, 1-based): chr4:1,001,550, C deleted; the last of 2 consecutive C bases (chr4:1,001,549-1,001,550); deleting either gives the same sequence. VCF-style (leftmost placement, unchanged base first): chr4-1001548-TC-T. GRCh37 (hg19) VCF-style: chr4-995336-TC-T.
Other names: c.180del, p.Ser60_Met61insTer (NM_001363576.1).
Identifiers: ClinVar variation 2088481 (VCV002088481.4), dbSNP rs2534083260, ClinGen allele CA2580070650.

ClinVar aggregate classification (germline): Pathogenic (1 of 4 stars; one submission).

Conditions:
Mucopolysaccharidosis type 1. Also called: IDUA deficiency; MPS I; Mucopolysaccharidosis Type I. Identifiers: Orphanet 579, MedGen C0023786, MONDO:0001586.

Submission:

Labcorp Genetics (formerly Invitae), Labcorp
Classification: Pathogenic for Mucopolysaccharidosis type 1. Last evaluated: 2022-01-21. Review status: criteria provided, single submitter. Criteria: Invitae Variant Classification Sherloc (09022015). Collection method: clinical testing. Allele origin: germline.
Comment: For these reasons, this variant has been classified as Pathogenic. This variant has not been reported in the literature in individuals affected with IDUA-related conditions. This variant is not present in population databases (gnomAD no frequency). This sequence change creates a premature translational stop signal (p.Met193*) in the IDUA gene. It is expected to result in an absent or disrupted protein product. Loss-of-function variants in IDUA are known to be pathogenic (PMID: 11735025, 21480867).

Literature cited by the submitters: PubMed 11735025; PubMed 21480867.